The following is an entry in ClinVar:

ClinVar aggregate classification (germline): Uncertain significance (1 of 4 stars; one submission).

Conditions:
Retinoblastoma (RB1). Also called: RETINOBLASTOMA, SOMATIC. Identifiers: Orphanet 790, MedGen C0035335, MeSH D012175, MONDO:0008380, OMIM 180200, HP:0009919. Disease mechanism: loss of function. Inheritance: Both sporadic and heritable forms are tested..

Allele frequency attached by ClinVar (database versions not stated): gnomAD 0.00001; TOPMed 0.00006.
gnomAD v4.1: 11 of 1,401,278 alleles (0.00078%); highest among the groups gnomAD compares: Admixed American, 0.026%; no homozygotes.

Submission:

Labcorp Genetics (formerly Invitae), Labcorp
Classification: Uncertain significance for Retinoblastoma. Last evaluated: 2025-10-24. Review status: criteria provided, single submitter. Criteria: Invitae Variant Classification Sherloc (09022015). Collection method: clinical testing. Allele origin: germline.
Comment: This variant occurs in a non-coding region of the RB1 gene. It does not change the encoded amino acid sequence of the RB1 protein. This variant is not present in population databases (gnomAD no frequency). This variant has not been reported in the literature in individuals affected with RB1-related conditions. ClinVar contains an entry for this variant (Variation ID: 2899770). Experimental studies and prediction algorithms are not available or were not evaluated, and the functional significance of this variant is currently unknown. In summary, the available evidence is currently insufficient to determine the role of this variant in disease. Therefore, it has been classified as a Variant of Uncertain Significance.

NM_000321.3(RB1):c.-123G>A

Gene: RB1 (RB transcriptional corepressor 1; plus strand). Cytogenetic location: 13q14.2.
Variant type: single nucleotide variant.
Coding change: c.-123G>A on transcript NM_000321.3 (MANE Select); 123 bases upstream of the start codon, G replaced by A.
Molecular consequence: 5 prime UTR variant.
Genome position (GRCh38, 1-based): chr13:48,303,790, G>A. VCF-style: chr13-48303790-G-A. GRCh37 (hg19) VCF-style: chr13-48877926-G-A.
Other names: c.-123G>A (NM_001407165.1, NM_001407166.1, NM_001407167.1).
Identifiers: ClinVar variation 2899770 (VCV002899770.3), dbSNP rs1345202778, ClinGen allele CA698656372.